The following is an entry in ClinVar:

NM_001939.3(DRP2):c.1270A>C (p.Thr424Pro)

Gene: DRP2 (dystrophin related protein 2; plus strand). Cytogenetic location: Xq22.1.
Variant type: single nucleotide variant.
Coding change: c.1270A>C on transcript NM_001939.3 (MANE Select); coding-DNA position 1270, A replaced by C.
Protein change: p.Thr424Pro; replaces threonine 424 with proline.
Molecular consequence: missense variant.
Genome position (GRCh38, 1-based): chrX:101,248,106, A>C. VCF-style: chrX-101248106-A-C. GRCh37 (hg19) VCF-style: chrX-100503095-A-C.
Other names: c.1036A>C, p.Thr346Pro (NM_001171184.2); short protein forms T424P, T346P.
Identifiers: ClinVar variation 1432624 (VCV001432624.8), dbSNP rs2147346074, ClinGen allele CA413925222.

ClinVar aggregate classification (germline): Uncertain significance (1 of 4 stars; one submission).

Submission:

Labcorp Genetics (formerly Invitae), Labcorp
Classification: Uncertain significance. Last evaluated: 2021-06-23. Review status: criteria provided, single submitter. Criteria: Invitae Variant Classification Sherloc (09022015). Collection method: clinical testing. Allele origin: germline.
Comment: In summary, the available evidence is currently insufficient to determine the role of this variant in disease. Therefore, it has been classified as a Variant of Uncertain Significance. Algorithms developed to predict the effect of missense changes on protein structure and function are either unavailable or do not agree on the potential impact of this missense change (SIFT: "Deleterious"; PolyPhen-2: "Benign"; Align-GVGD: "Class C0"). This variant has not been reported in the literature in individuals affected with DRP2-related conditions. This variant is not present in population databases (ExAC no frequency). This sequence change replaces threonine with proline at codon 424 of the DRP2 protein (p.Thr424Pro). The threonine residue is moderately conserved and there is a small physicochemical difference between threonine and proline.